The following is an entry in ClinVar:

NM_001267550.2(TTN):c.67297G>T (p.Glu22433Ter)

Genes: TTN-AS1 (TTN antisense RNA 1; plus strand), TTN (titin; minus strand). Cytogenetic location: 2q31.2.
Variant type: single nucleotide variant.
Coding change: c.67297G>T on transcript NM_001267550.2 (MANE Select); coding-DNA position 67297, G replaced by T.
Protein change: p.Glu22433Ter; replaces glutamic acid 22433 with a stop codon.
Molecular consequence: nonsense.
Genome position (GRCh38, 1-based): chr2:178,579,990, C>A on the plus strand (G>T on the coding strand, the complement: TTN is on the minus strand). VCF-style: chr2-178579990-C-A. GRCh37 (hg19) VCF-style: chr2-179444717-C-A.
Other names: c.62374G>T, p.Glu20792Ter (NM_001256850.1); c.40102G>T, p.Glu13368Ter (NM_003319.4); c.59593G>T, p.Glu19865Ter (NM_133378.4); c.40477G>T, p.Glu13493Ter (NM_133432.3); c.40678G>T, p.Glu13560Ter (NM_133437.4); short protein forms E13368*, E22433*, E13560*, E13493*, E19865*, E20792*.
Identifiers: ClinVar variation 2116247 (VCV002116247.4), dbSNP rs2468908754, ClinGen allele CA349424057.

ClinVar aggregate classification (germline): Likely pathogenic (1 of 4 stars; one submission).

Conditions:
Dilated cardiomyopathy 1G (CMD1G). Identifiers: Orphanet 154, MedGen C1858763, MONDO:0011400, OMIM 604145.
Autosomal recessive limb-girdle muscular dystrophy type 2J (LGMDR10). Also called: Limb-girdle muscular dystrophy, type 2J; MUSCULAR DYSTROPHY, LIMB-GIRDLE, AUTOSOMAL RECESSIVE 10. Identifiers: Orphanet 140922, MedGen C1837342, MONDO:0012127, OMIM 608807.

Allele frequency attached by ClinVar (database versions not stated): gnomAD exomes below 0.00001.
gnomAD v4.1: 1 of 1,613,314 alleles (0.000062%); highest among the groups gnomAD compares: Non-Finnish European, 0.000085%; no homozygotes.

Submission:

Labcorp Genetics (formerly Invitae), Labcorp
Classification: Likely pathogenic for Dilated cardiomyopathy 1G; Autosomal recessive limb-girdle muscular dystrophy type 2J. Last evaluated: 2022-05-15. Review status: criteria provided, single submitter. Criteria: Invitae Variant Classification Sherloc (09022015). Collection method: clinical testing. Allele origin: germline.
Comment: This sequence change creates a premature translational stop signal (p.Glu22433*) in the TTN gene. While this is not anticipated to result in nonsense mediated decay, it is expected to create a truncated TTN protein. In summary, the currently available evidence indicates that the variant is pathogenic, but additional data are needed to prove that conclusively. Therefore, this variant has been classified as Likely Pathogenic. This variant is located in the A band of TTN (PMID: 25589632). Truncating variants in this region are significantly overrepresented in patients affected with dilated cardiomyopathy (PMID: 25589632). Truncating variants in this region have also been reported in individuals affected with autosomal recessive centronuclear myopathy (PMID: 23975875). This variant has not been reported in the literature in individuals affected with TTN-related conditions. This variant is not present in population databases (gnomAD no frequency).

Literature cited by the submitters: PubMed 25589632; PubMed 23975875.